The following is an entry in ClinVar:

ClinVar aggregate classification (germline): Uncertain significance. Review status: criteria provided, multiple submitters, no conflicts (2 of 4 stars). 2 submissions from 2 submitters: Uncertain significance (2). Last evaluated 2023-03-22.

Conditions:
NEK1-related disorder. Also called: NEK1-related condition.
Short-rib thoracic dysplasia 6 with or without polydactyly (SRTD6). Also called: Majewski Syndrome; POLYDACTYLY WITH NEONATAL CHONDRODYSTROPHY, TYPE II; SHORT-RIB THORACIC DYSPLASIA 6 WITH POLYDACTYLY; SHORT-RIB THORACIC DYSPLASIA 6 WITHOUT POLYDACTYLY; SHORT RIB-POLYDACTYLY SYNDROME, TYPE IIA. Identifiers: MedGen C0024507, MONDO:0009894, OMIM 263520.

Allele frequency attached by ClinVar (database versions not stated): TOPMed below 0.00001; gnomAD exomes 0.00001.
gnomAD v4.1: 9 of 1,613,512 alleles (0.00056%); highest among the groups gnomAD compares: Non-Finnish European, 0.00068%; no homozygotes.

Submissions (2):

PreventionGenetics, part of Exact Sciences
Classification: Uncertain significance for NEK1-related condition. Last evaluated: 2023-03-22. Review status: criteria provided, single submitter. Criteria: ACMG Guidelines, 2015. Collection method: clinical testing. Allele origin: germline.
Comment: The NEK1 c.1420C>T variant is predicted to result in the amino acid substitution p.Leu474Phe. To our knowledge, this variant has not been reported in the literature. This variant is reported in 0.0027% of alleles in individuals of European (Non-Finnish) descent in gnomAD. At this time, the clinical significance of this variant is uncertain due to the absence of conclusive functional and genetic evidence.

Labcorp Genetics (formerly Invitae), Labcorp
Classification: Uncertain significance for Short-rib thoracic dysplasia 6 with or without polydactyly. Last evaluated: 2022-06-27. Review status: criteria provided, single submitter. Criteria: Invitae Variant Classification Sherloc (09022015). Collection method: clinical testing. Allele origin: germline.
Comment: Advanced modeling of protein sequence and biophysical properties (such as structural, functional, and spatial information, amino acid conservation, physicochemical variation, residue mobility, and thermodynamic stability) performed at Invitae indicates that this missense variant is not expected to disrupt NEK1 protein function. In summary, the available evidence is currently insufficient to determine the role of this variant in disease. Therefore, it has been classified as a Variant of Uncertain Significance. This variant has not been reported in the literature in individuals affected with NEK1-related conditions. This sequence change replaces leucine, which is neutral and non-polar, with phenylalanine, which is neutral and non-polar, at codon 474 of the NEK1 protein (p.Leu474Phe). This variant is present in population databases (no rsID available, gnomAD 0.002%).

NM_001199397.3(NEK1):c.1420C>T (p.Leu474Phe)

Gene: NEK1 (NIMA related kinase 1; minus strand). Cytogenetic location: 4q33.
Variant type: single nucleotide variant.
Coding change: c.1420C>T on transcript NM_001199397.3 (MANE Select); coding-DNA position 1420, C replaced by T.
Protein change: p.Leu474Phe; replaces leucine 474 with phenylalanine.
Molecular consequence: missense variant. On other transcripts: non-coding transcript variant (1).
Genome position (GRCh38, 1-based): chr4:169,555,942, G>A on the plus strand (C>T on the coding strand, the complement: NEK1 is on the minus strand). VCF-style: chr4-169555942-G-A. GRCh37 (hg19) VCF-style: chr4-170477093-G-A.
Other names: c.1420C>T, p.Leu474Phe (NM_001199398.3, NM_001199400.3, NM_001374418.1 and 2 more transcripts); c.1345C>T, p.Leu449Phe (NM_001199399.3); c.1420C>T (NM_012224.2); c.1369C>T, p.Leu457Phe (NM_001374420.1); c.1294C>T, p.Leu432Phe (NM_001374421.1); short protein forms L432F, L474F, L457F, L449F.
Identifiers: ClinVar variation 1496314 (VCV001496314.7), dbSNP rs1182459740, ClinGen allele CA358733856.